The following is an entry in ClinVar:

NM_007059.4(KPTN):c.161G>A (p.Arg54His)

Gene: KPTN (kaptin, actin binding protein; minus strand). Cytogenetic location: 19q13.32.
Variant type: single nucleotide variant.
Coding change: c.161G>A on transcript NM_007059.4 (MANE Select); coding-DNA position 161, G replaced by A.
Protein change: p.Arg54His; replaces arginine 54 with histidine.
Molecular consequence: missense variant. On other transcripts: non-coding transcript variant (1).
Genome position (GRCh38, 1-based): chr19:47,484,000, C>T on the plus strand (G>A on the coding strand, the complement: KPTN is on the minus strand). VCF-style: chr19-47484000-C-T. GRCh37 (hg19) VCF-style: chr19-47987257-C-T.
Other names: c.161G>A, p.Arg54His (NM_001291296.2); c.161G>A (NM_007059.2); short protein forms R54H.
Identifiers: ClinVar variation 1450180 (VCV001450180.9), dbSNP rs781661209, ClinGen allele CA406606730.
Genomic context (GRCh38, chr19:47,484,000, plus strand): 5'-ATGTAGTTGAACTGCAGCTCCTTGGCCACTGGCCGGATTTTCTGTCGGAGGTCTTGGTAG[C>T]GGAAGCCGAGCACCTTGCCTTTAAGGGTGGCGGCCAGCAGCTCCCCGCGCCCGCCGGCGC-3'
Protein context (NP_008990.2, residues 44-64): ATLKGKVLGF[Arg54His]YQDLRQKIRP

ClinVar aggregate classification (germline): Uncertain significance. Review status: criteria provided, multiple submitters, no conflicts (2 of 4 stars). 2 submissions from 2 submitters: Uncertain significance (2). Last evaluated 2025-04-11.

Conditions:
Macrocephaly-developmental delay syndrome (MRT41). Also called: INTELLECTUAL DEVELOPMENTAL DISORDER, AUTOSOMAL RECESSIVE 41. Identifiers: Orphanet 397612, MedGen C3810225, MONDO:0014289, OMIM 615637.
Inborn genetic diseases. Identifiers: MedGen C0950123, MeSH D030342.

Submissions (2):

Ambry Genetics
Classification: Uncertain significance for Inborn genetic diseases. Last evaluated: 2025-04-11. Review status: criteria provided, single submitter. Criteria: Ambry Variant Classification Scheme 2023. Collection method: clinical testing. Allele origin: germline.

Labcorp Genetics (formerly Invitae), Labcorp
Classification: Uncertain significance for Macrocephaly-developmental delay syndrome. Last evaluated: 2021-05-22. Review status: criteria provided, single submitter. Criteria: Invitae Variant Classification Sherloc (09022015). Collection method: clinical testing. Allele origin: germline.
Comment: In summary, the available evidence is currently insufficient to determine the role of this variant in disease. Therefore, it has been classified as a Variant of Uncertain Significance. Algorithms developed to predict the effect of missense changes on protein structure and function are either unavailable or do not agree on the potential impact of this missense change (SIFT: "Deleterious"; PolyPhen-2: "Probably Damaging"; Align-GVGD: "Class C0"). This variant has not been reported in the literature in individuals with KPTN-related conditions. This variant is not present in population databases (ExAC no frequency). This sequence change replaces arginine with histidine at codon 54 of the KPTN protein (p.Arg54His). The arginine residue is moderately conserved and there is a small physicochemical difference between arginine and histidine.